The following is an entry in ClinVar:

ClinVar aggregate classification (germline): Pathogenic. Review status: criteria provided, multiple submitters, no conflicts (2 of 4 stars). 6 submissions from 6 submitters: Pathogenic (2). 4 of the submissions do not count toward it. Last evaluated 2025-08-12.

Conditions:
Alkaptonuria (AKU). Also called: Alkaptonuric ochronosis; Alcaptonuria; Homogentisic acidura; HOMOGENTISIC ACID OXIDASE DEFICIENCY. Identifiers: Orphanet 56, MedGen C0002066, MONDO:0008753, OMIM 203500.

Allele frequency attached by ClinVar (database versions not stated): 1000 Genomes Project 0.00020; gnomAD exomes 0.00004; TOPMed 0.00003; 1000 Genomes Project 30x 0.00031.
gnomAD v4.1: 67 of 1,613,994 alleles (0.0042%); highest among the groups gnomAD compares: Non-Finnish European, 0.0053%; no homozygotes.

Submissions (6):

Labcorp Genetics (formerly Invitae), Labcorp
Classification: Pathogenic for Alkaptonuria. Last evaluated: 2025-08-12. Review status: criteria provided, single submitter. Criteria: Invitae Variant Classification Sherloc (09022015). Collection method: clinical testing. Allele origin: germline.
Comment: This sequence change replaces valine, which is neutral and non-polar, with glycine, which is neutral and non-polar, at codon 300 of the HGD protein (p.Val300Gly). This variant is not present in population databases (gnomAD no frequency). This missense change has been observed in individuals with alkaptonuria (PMID: 8782815, 9529363, 10482952, 10970188, 19862842, 21720873). It is commonly reported in individuals of Central European ancestry (PMID: 9529363, 21720873). ClinVar contains an entry for this variant (Variation ID: 3166). Invitae Evidence Modeling of protein sequence and biophysical properties (such as structural, functional, and spatial information, amino acid conservation, physicochemical variation, residue mobility, and thermodynamic stability) indicates that this missense variant is expected to disrupt HGD protein function with a positive predictive value of 95%. Algorithms developed to predict the effect of sequence changes on RNA splicing suggest that this variant may create or strengthen a splice site. For these reasons, this variant has been classified as Pathogenic.

Fulgent Genetics
Classification: Pathogenic for Alkaptonuria. Last evaluated: 2024-06-02. Review status: criteria provided, single submitter. Criteria: ACMG Guidelines, 2015. Collection method: clinical testing. Allele origin: germline.

Counsyl
Classification: Likely pathogenic for Alkaptonuria. Last evaluated: 2015-12-18. Review status: no assertion criteria provided. Collection method: clinical testing. Allele origin: unknown. Not counted in ClinVar's aggregate classification.

OMIM
Classification: Pathogenic for ALKAPTONURIA. Last evaluated: 1996-09-01. Review status: no assertion criteria provided. Collection method: literature only. Allele origin: germline. Not counted in ClinVar's aggregate classification.

Department Of Human Genetics, Institute Of Clinical And Translational Research, Biomedical Research Center, Slovak Academy Of Sciences
Classification: Pathogenic for Alkaptonuria. Review status: no assertion criteria provided. Collection method: research. Allele origin: germline. Inheritance: Autosomal recessive inheritance. Affected: yes. Observed: 28 variant alleles. Not counted in ClinVar's aggregate classification.
Comment: The variant was originally described in AKU patient in PMID:8782815. It has been submitted to the HGD gene mutation database (DB-ID: AKU_00083).

GeneReviews
No classification provided. Condition: Alkaptonuria. Review status: no classification provided. Collection method: literature only. Allele origin: germline. Not counted in ClinVar's aggregate classification.
Comment: Frequent missense variant

Literature cited by the submitters: PubMed 8782815 (cited by 4 submitters); PubMed 9529363 (cited by Labcorp Genetics (formerly Invitae), Labcorp); PubMed 10482952 (cited by Labcorp Genetics (formerly Invitae), Labcorp); PubMed 10970188 (cited by Labcorp Genetics (formerly Invitae), Labcorp); PubMed 19862842 (cited by Labcorp Genetics (formerly Invitae), Labcorp); PubMed 21720873 (cited by Labcorp Genetics (formerly Invitae), Labcorp); PubMed 20301627 (cited by GeneReviews).

NM_000187.4(HGD):c.899T>G (p.Val300Gly)

Gene: HGD (homogentisate 1,2-dioxygenase; minus strand). Cytogenetic location: 3q13.33.
Variant type: single nucleotide variant.
Coding change: c.899T>G on transcript NM_000187.4 (MANE Select); coding-DNA position 899, T replaced by G.
Protein change: p.Val300Gly; replaces valine 300 with glycine.
Molecular consequence: missense variant.
Genome position (GRCh38, 1-based): chr3:120,638,562, A>C on the plus strand (T>G on the coding strand, the complement: HGD is on the minus strand). VCF-style: chr3-120638562-A-C. GRCh37 (hg19) VCF-style: chr3-120357409-A-C.
Other names: short protein forms V300G.
Identifiers: ClinVar variation 3166 (VCV000003166.14), dbSNP rs120074170, ClinGen allele CA340043.